The following is an entry in ClinVar:

ClinVar aggregate classification (germline): Likely benign (1 of 4 stars; one submission).

Allele frequency attached by ClinVar (database versions not stated): gnomAD exomes 0.00129; gnomAD 0.01336 and 0.01422; TOPMed 0.01498; 1000 Genomes Project 30x 0.01671; 1000 Genomes Project 0.01737.
gnomAD v4.1: 3,577 of 1,291,844 alleles (0.28%); highest among the groups gnomAD compares: African/African-American, 4.7%; 114 homozygotes.

Submission:

GeneDx
Classification: Likely benign. Last evaluated: 2018-06-16. Review status: criteria provided, single submitter. Criteria: GeneDx Variant Classification (06012015). Collection method: clinical testing. Allele origin: germline. Affected: yes.
Comment: This variant is considered likely benign or benign based on one or more of the following criteria: it is a conservative change, it occurs at a poorly conserved position in the protein, it is predicted to be benign by multiple in silico algorithms, and/or has population frequency not consistent with disease.

NM_001232.4(CASQ2):c.738-121C>T

Gene: CASQ2 (calsequestrin 2; minus strand). Cytogenetic location: 1p13.1.
Variant type: single nucleotide variant.
Coding change: c.738-121C>T on transcript NM_001232.4 (MANE Select); 121 bases into the intron before coding-DNA position 738, C replaced by T.
Molecular consequence: intron variant.
Genome position (GRCh38, 1-based): chr1:115,725,674, G>A on the plus strand (C>T on the coding strand, the complement: CASQ2 is on the minus strand). VCF-style: chr1-115725674-G-A. GRCh37 (hg19) VCF-style: chr1-116268295-G-A.
Identifiers: ClinVar variation 675503 (VCV000675503.1), dbSNP rs76232874, ClinGen allele CA29634845.